The following is an entry in ClinVar:

NM_018489.3(ASH1L):c.4835G>A (p.Gly1612Asp)

Gene: ASH1L (ASH1 like histone lysine methyltransferase; minus strand). Cytogenetic location: 1q22.
Variant type: single nucleotide variant.
Coding change: c.4835G>A on transcript NM_018489.3 (MANE Select); coding-DNA position 4835, G replaced by A.
Protein change: p.Gly1612Asp; replaces glycine 1612 with aspartic acid.
Molecular consequence: missense variant.
Genome position (GRCh38, 1-based): chr1:155,478,035, C>T on the plus strand (G>A on the coding strand, the complement: ASH1L is on the minus strand). VCF-style: chr1-155478035-C-T. GRCh37 (hg19) VCF-style: chr1-155447826-C-T.
Other names: c.4835G>A, p.Gly1612Asp (NM_001366177.2); short protein forms G1612D.
Identifiers: ClinVar variation 3368352 (VCV003368352.1).

ClinVar aggregate classification (germline): Uncertain significance (1 of 4 stars; one submission).

Submission:

GeneDx
Classification: Uncertain significance. Last evaluated: 2024-01-28. Review status: criteria provided, single submitter. Criteria: GeneDx Variant Classification Process June 2021. Collection method: clinical testing. Allele origin: germline. Affected: yes.
Comment: Not observed at significant frequency in large population cohorts (gnomAD); In silico analysis supports that this missense variant does not alter protein structure/function; Has not been previously published as pathogenic or benign to our knowledge